The following is an entry in ClinVar:

NM_182641.4(BPTF):c.8035GCCCCTCCA[1] (p.2676APP[2])

Gene: BPTF (bromodomain PHD finger transcription factor; plus strand). Cytogenetic location: 17q24.2.
Variant type: Microsatellite.
Coding change: c.8035GCCCCTCCA[1] on transcript NM_182641.4 (MANE Select); one copy of the 9-base unit GCCCCTCCA starting at c.8035; the reference has two copies in a row; one copy, 9 bases deleted.
Protein change: p.2676APP[2].
Molecular consequence: inframe deletion.
Genome position (GRCh38, 1-based): chr17:67,959,658-67,959,666, GCCCCTCCA deleted; deleting any 9 consecutive bases within chr17:67,959,643-67,959,666 gives the same sequence; the position shown is the placement nearest the transcript's 3' end. VCF-style (leftmost placement, unchanged base first): chr17-67959642-TCCTCCAGCC-T. GRCh37 (hg19) VCF-style: chr17-65955758-TCCTCCAGCC-T.
Other names: c.8224GCCCCTCCA[1], p.2739APP[2] (NM_001439139.1); c.7984GCCCCTCCA[1], p.2659APP[2] (NM_001439140.1, NM_001439142.1, NM_004459.7); c.7957GCCCCTCCA[1], p.2650APP[2] (NM_001439141.1); c.7795GCCCCTCCA[1], p.2596APP[2] (NM_001439143.1, NM_001439144.1).
Identifiers: ClinVar variation 4736980 (VCV004736980.1).

ClinVar aggregate classification (germline): Uncertain significance (1 of 4 stars; one submission).

Submission:

Labcorp Genetics (formerly Invitae), Labcorp
Classification: Uncertain significance. Last evaluated: 2025-10-01. Review status: criteria provided, single submitter. Criteria: Invitae Variant Classification Sherloc (09022015). Collection method: clinical testing. Allele origin: germline.
Comment: This variant, c.7993_8001del, results in the deletion of 3 amino acid(s) of the BPTF protein (p.Ala2665_Pro2667del), but otherwise preserves the integrity of the reading frame. This variant is present in population databases (rs782652798, gnomAD 0.07%). This variant has not been reported in the literature in individuals affected with BPTF-related conditions. Experimental studies and prediction algorithms are not available or were not evaluated, and the functional significance of this variant is currently unknown. In summary, the available evidence is currently insufficient to determine the role of this variant in disease. Therefore, it has been classified as a Variant of Uncertain Significance.